The following is an entry in ClinVar:

ClinVar aggregate classification (germline): Conflicting classifications of pathogenicity. Review status: criteria provided, conflicting classifications (1 of 4 stars). 9 submissions from 9 submitters: Uncertain significance (5); Likely benign (4). Last evaluated 2026-04-02.

Conditions:
TTN-related disorder. Also called: TTN-related disorders; TTN-related condition; TTN-related disease.
Autosomal recessive limb-girdle muscular dystrophy type 2J (LGMDR10). Also called: Limb-girdle muscular dystrophy, type 2J; MUSCULAR DYSTROPHY, LIMB-GIRDLE, AUTOSOMAL RECESSIVE 10. Identifiers: Orphanet 140922, MedGen C1837342, MONDO:0012127, OMIM 608807.
Dilated cardiomyopathy 1G (CMD1G). Identifiers: Orphanet 154, MedGen C1858763, MONDO:0011400, OMIM 604145.
Cardiomyopathy (CMYO). Also called: Cardiomyopathies. Identifiers: Orphanet 167848, MedGen C0878544, MONDO:0004994, HP:0001638. Inheritance: Various modes of inheritance.

Submissions (9):

Women's Health and Genetics/Laboratory Corporation of America, LabCorp
Classification: Likely benign. Last evaluated: 2026-04-02. Review status: criteria provided, single submitter. Criteria: LabCorp Variant Classification Summary - May 2015. Collection method: clinical testing. Allele origin: germline.
Comment: Variant summary: TTN c.30760_30762delGAA (p.Glu10254del) results in an in-frame deletion that is predicted to remove one amino acid from the encoded protein. The variant allele was found at a frequency of 0.00041 in 1597886 control chromosomes, predominantly at a frequency of 0.00053 within the Non-Finnish European subpopulation in the gnomAD database, including 1 homozygotes. The observed variant frequency within Non-Finnish European control individuals in the gnomAD database exceeds the estimated maximal expected allele frequency for disease-causing variants in TTN. c.30760_30762delGAA has been reported in the literature in one individual affected with Hypertrophy Cardiomyopathy and one individual who was tested for Cardiomyopathy panel and without specified phenotype (Sanchez_2016, Fedida_2017). These report(s) do not provide unequivocal conclusions about association of the variant with Dilated Cardiomyopathy. To our knowledge, no experimental evidence demonstrating an impact on protein function has been reported. The following publications have been ascertained in the context of this evaluation (PMID: 28767663, 27930701). ClinVar contains an entry for this variant (Variation ID: 284097). Based on the evidence outlined above, the variant was classified as likely benign.

PreventionGenetics, part of Exact Sciences
Classification: Likely benign for TTN-related condition. Last evaluated: 2025-09-17. Review status: criteria provided, single submitter. Criteria: ACMG Guidelines, 2015. Collection method: clinical testing. Allele origin: germline.
Comment: This variant is classified as likely benign based on ACMG/AMP sequence variant interpretation guidelines (Richards et al. 2015 PMID: 25741868, with internal and published modifications).

GeneDx
Classification: Uncertain significance. Last evaluated: 2025-08-15. Review status: criteria provided, single submitter. Criteria: GeneDx Variant Classification Process June 2021. Collection method: clinical testing. Allele origin: germline. Affected: yes.
Comment: Identified in a patient with hypertrophic cardiomyopathy in published literature (PMID: 27930701); In silico analysis suggests that this variant does not alter protein structure/function; In-frame deletion of 1 amino acid(s) in a non-repeat region; This variant is associated with the following publications: (PMID: 27930701, 28767663)

Blueprint Genetics
Classification: Likely benign. Last evaluated: 2024-11-18. Review status: criteria provided, single submitter. Criteria: ACMG Guidelines, 2015. Collection method: clinical testing. Allele origin: germline.

Revvity Omics, Revvity
Classification: Uncertain significance. Last evaluated: 2024-09-01. Review status: criteria provided, single submitter. Criteria: ACMG Guidelines, 2015. Collection method: clinical testing. Allele origin: germline.

CeGaT Center for Human Genetics Tuebingen
Classification: Likely benign. Last evaluated: 2023-10-01. Review status: criteria provided, single submitter. Criteria: CeGaT Center For Human Genetics Tuebingen Variant Classification Criteria Version 2. Collection method: clinical testing. Allele origin: germline. Affected: yes. Observed: 4 variant alleles.
Comment: TTN: BP4

CHEO Genetics Diagnostic Laboratory, Children's Hospital of Eastern Ontario
Classification: Uncertain significance for Cardiomyopathy. Last evaluated: 2021-10-06. Review status: criteria provided, single submitter. Criteria: ACMG Guidelines, 2015. Collection method: clinical testing. Allele origin: germline. Study: Canadian Open Genetics Repository.

Labcorp Genetics (formerly Invitae), Labcorp
Classification: Uncertain significance for Dilated cardiomyopathy 1G; Autosomal recessive limb-girdle muscular dystrophy type 2J. Last evaluated: 2017-11-01. Review status: criteria provided, single submitter. Criteria: Invitae Variant Classification Sherloc (09022015). Collection method: clinical testing. Allele origin: germline.

Eurofins Ntd Llc (ga)
Classification: Uncertain significance. Last evaluated: 2015-10-16. Review status: criteria provided, single submitter. Criteria: EGL Classification Definitions 2015. Collection method: clinical testing. Allele origin: germline. Observed: 1 variant allele, 1 heterozygote.

Literature cited by the submitters: PubMed 27930701 (cited by Women's Health and Genetics/Laboratory Corporation of America, LabCorp); PubMed 28767663 (cited by Women's Health and Genetics/Laboratory Corporation of America, LabCorp).

NM_001267550.2(TTN):c.34660GAA[1] (p.Glu11555del)

Gene: TTN (titin; minus strand). Cytogenetic location: 2q31.2.
Variant type: Microsatellite.
Coding change: c.34660GAA[1] on transcript NM_001267550.2 (MANE Select); one copy of the 3-base unit GAA starting at c.34660; the reference has two copies in a row; one copy, 3 bases deleted; also written c.34663_34665del.
Protein change: p.Glu11555del; deletes glutamic acid 11555.
Molecular consequence: inframe deletion. On other transcripts: intron variant (3).
Genome position (GRCh38, 1-based): chr2:178,674,357-178,674,359, TTC deleted on the plus strand (GAA on the coding strand, the reverse complement: TTN is on the minus strand); deleting any 3 consecutive bases within chr2:178,674,357-178,674,363 gives the same sequence; the position shown is the placement nearest the transcript's 3' end. VCF-style (leftmost placement, unchanged base first): chr2-178674356-GTTC-G. GRCh37 (hg19) VCF-style: chr2-179539083-GTTC-G.
Other names: c.33541_33543delGAA (NM_001256850.1); c.30760_30762delGAA (NM_133378.4); c.34663_34665del (NM_001267550.1); c.34663_34665delGAA (NM_001267550.2); c.30760_30762del (NM_133378.4); c.33538GAA[1], p.Glu11181del (NM_001256850.1); c.30757GAA[1], p.Glu10254del (NM_133378.4); c.13283-32042_13283-32040del (NM_003319.4); and 2 more; short protein forms E10254del, E11555del, E11181del.
Identifiers: ClinVar variation 284097 (VCV000284097.45), dbSNP rs763098227, ClinGen allele CA1998015.